The following is an entry in ClinVar:

NM_007294.4(BRCA1):c.2077_2078insTA (p.Asp693fs)

Gene: BRCA1 (BRCA1 DNA repair associated; minus strand). Cytogenetic location: 17q21.31.
Variant type: Insertion.
Coding change: c.2077_2078insTA on transcript NM_007294.4 (MANE Select); coding-DNA positions 2077 to 2078, TA inserted.
Protein change: p.Asp693fs; shifts the reading frame from aspartic acid 693.
Molecular consequence: frameshift variant. On other transcripts: intron variant (137).
Genome position: GRCh38 VCF-style: chr17-43093453-T-TTA. GRCh37 (hg19) VCF-style: chr17-41245470-T-TTA.
Other names: 2196insTA; c.1864_1865insTA, p.Asp622fs (NM_001407571.1, NM_001407853.1, NM_001407894.1 and 9 more transcripts); c.2077_2078insTA, p.Asp693fs (NM_001407581.1, NM_001407582.1, NM_001407583.1 and 30 more transcripts); c.2074_2075insTA, p.Asp692fs (NM_001407587.1, NM_001407590.1, NM_001407591.1 and 22 more transcripts); c.2068_2069insTA, p.Asp690fs (NM_001407646.1, NM_001407647.1); c.1954_1955insTA, p.Asp652fs (NM_001407648.1, NM_001407664.1, NM_001407665.1 and 19 more transcripts); c.1951_1952insTA, p.Asp651fs (NM_001407649.1, NM_001407670.1, NM_001407671.1 and 11 more transcripts); c.1999_2000insTA, p.Asp667fs (NM_001407653.1, NM_001407654.1, NM_001407655.1 and 4 more transcripts); and 41 more; short protein forms D693fs, D646fs, D397fs, D566fs, D582fs, D651fs, D667fs, D690fs.
Identifiers: ClinVar variation 125535 (VCV000125535.55), dbSNP rs80357595, ClinGen allele CA001375.

ClinVar aggregate classification (germline): Pathogenic. Review status: reviewed by expert panel (3 of 4 stars). 7 submissions from 7 submitters: Pathogenic (1). 6 of the submissions do not count toward it. Last evaluated 2016-09-08.

Conditions:
Breast and/or ovarian cancer. Identifiers: MedGen CN221562.
Hereditary cancer-predisposing syndrome. Also called: Tumor predisposition; Hereditary neoplastic syndrome; Neoplastic Syndromes, Hereditary; Hereditary Cancer Syndrome. Identifiers: Orphanet 140162, MedGen C0027672, MeSH D009386, MONDO:0015356.
Hereditary breast ovarian cancer syndrome. Also called: Hereditary breast and ovarian cancer syndrome (HBOC); Hereditary breast and ovarian cancer; Hereditary breast and ovarian cancer syndrome; Breast and ovarian cancer; Hereditary breast and/or ovarian cancer syndrome; BRCA1- and BRCA2-Associated Hereditary Breast and Ovarian Cancer. Identifiers: Orphanet 145, MedGen C0677776, MeSH D061325, MONDO:0003582. Disease mechanism: loss of function.
Breast-ovarian cancer, familial, susceptibility to, 1 (BROVCA1). Also called: BRCA1 Hereditary Breast and Ovarian Cancer; OVARIAN CANCER, SUSCEPTIBILITY TO. Identifiers: Orphanet 145, MedGen C2676676, MONDO:0011450, OMIM 604370. Disease mechanism: loss of function.

Submissions (7):

Evidence-based Network for the Interpretation of Germline Mutant Alleles (ENIGMA)
Classification: Pathogenic for Breast-ovarian cancer, familial, susceptibility to, 1. Last evaluated: 2016-09-08. Review status: reviewed by expert panel. Criteria: ENIGMA BRCA1/2 Classification Criteria (2015). Collection method: curation. Allele origin: germline.
Comment: Variant allele predicted to encode a truncated non-functional protein.

Ambry Genetics
Classification: Pathogenic for Hereditary cancer-predisposing syndrome. Last evaluated: 2024-03-01. Review status: criteria provided, single submitter. Criteria: Ambry Variant Classification Scheme 2023. Collection method: clinical testing. Allele origin: germline. Not counted in ClinVar's aggregate classification.
Comment: The c.2077_2078insTA pathogenic mutation, located in coding exon 9 of the BRCA1 gene, results from an insertion of two nucleotides at position 2077, causing a translational frameshift with a predicted alternate stop codon (p.D693Vfs*9). This variant is considered to be rare based on population cohorts in the Genome Aggregation Database (gnomAD). In addition to the information presented in the literature, this alteration is expected to result in loss of function by premature protein truncation or nonsense-mediated mRNA decay. As such, this alteration is interpreted as a disease-causing mutation.

Labcorp Genetics (formerly Invitae), Labcorp
Classification: Pathogenic for Hereditary breast ovarian cancer syndrome. Last evaluated: 2020-04-20. Review status: criteria provided, single submitter. Criteria: Invitae Variant Classification Sherloc (09022015). Collection method: clinical testing. Allele origin: germline. Not counted in ClinVar's aggregate classification.
Comment: This sequence change creates a premature translational stop signal (p.Asp693Valfs*9) in the BRCA1 gene. It is expected to result in an absent or disrupted protein product. For these reasons, this variant has been classified as Pathogenic. Loss-of-function variants in BRCA1 are known to be pathogenic (PMID: 20104584). Algorithms developed to predict the effect of sequence changes on RNA splicing suggest that this variant may create or strengthen a splice site, but this prediction has not been confirmed by published transcriptional studies. This variant has been observed in individual(s) with ovarian cancer (PMID: 30606148). ClinVar contains an entry for this variant (Variation ID: 125535). This variant is not present in population databases (ExAC no frequency).

CeGaT Center for Human Genetics Tuebingen
Classification: Pathogenic. Last evaluated: 2019-07-01. Review status: criteria provided, single submitter. Criteria: CeGaT Center For Human Genetics Tuebingen Variant Classification Criteria Version 2. Collection method: clinical testing. Allele origin: germline. Affected: yes. Observed: 1 variant allele. Not counted in ClinVar's aggregate classification.

CHEO Genetics Diagnostic Laboratory, Children's Hospital of Eastern Ontario
Classification: Pathogenic for Breast and/or ovarian cancer. Last evaluated: 2018-09-06. Review status: criteria provided, single submitter. Criteria: ACMG Guidelines, 2015. Collection method: clinical testing. Allele origin: germline. Not counted in ClinVar's aggregate classification.

Consortium of Investigators of Modifiers of BRCA1/2 (CIMBA), c/o University of Cambridge
Classification: Pathogenic for Breast-ovarian cancer, familial, susceptibility to, 1. Last evaluated: 2015-10-02. Review status: criteria provided, single submitter. Criteria: CIMBA Mutation Classification guidelines May 2016. Collection method: clinical testing. Allele origin: germline. Not counted in ClinVar's aggregate classification.

Breast Cancer Information Core (BIC) (BRCA1)
Classification: Pathogenic for Breast-ovarian cancer, familial 1. Review status: no assertion criteria provided. Collection method: clinical testing. Allele origin: germline. Affected: yes. Observed: 1 variant allele. Not counted in ClinVar's aggregate classification.

Literature cited by the submitters: PubMed 30606148 (cited by Ambry Genetics and Labcorp Genetics (formerly Invitae), Labcorp); PubMed 20104584 (cited by Labcorp Genetics (formerly Invitae), Labcorp).